The following is an entry in ClinVar:

NM_000156.6(GAMT):c.467C>A (p.Ala156Asp)

Gene: GAMT (guanidinoacetate N-methyltransferase; minus strand). Cytogenetic location: 19p13.3.
Variant type: single nucleotide variant.
Coding change: c.467C>A on transcript NM_000156.6 (MANE Select); coding-DNA position 467, C replaced by A.
Protein change: p.Ala156Asp; replaces alanine 156 with aspartic acid.
Molecular consequence: missense variant.
Genome position (GRCh38, 1-based): chr19:1,399,019, G>T on the plus strand (C>A on the coding strand, the complement: GAMT is on the minus strand). VCF-style: chr19-1399019-G-T. GRCh37 (hg19) VCF-style: chr19-1399018-G-T.
Other names: NM_000156.6(GAMT):c.467C>A; p.Ala156Asp; c.467C>A, p.Ala156Asp (NM_138924.3); short protein forms A156D.
Identifiers: ClinVar variation 801415 (VCV000801415.4), dbSNP rs368221789, ClinGen allele CA9043637.

ClinVar aggregate classification (germline): Likely pathogenic. Review status: reviewed by expert panel (3 of 4 stars). 5 submissions from 5 submitters: Likely pathogenic (1). 4 of the submissions do not count toward it. Last evaluated 2025-12-10.

Conditions:
Inborn genetic diseases. Identifiers: MedGen C0950123, MeSH D030342.
Cerebral creatine deficiency syndrome. Also called: Creatine deficiency syndromes. Identifiers: Orphanet 79172, MedGen C5244016, MONDO:0000456.
Deficiency of guanidinoacetate methyltransferase (CCDS2). Also called: CEREBRAL CREATINE DEFICIENCY SYNDROME 2; Guanidinoacetate Methyltransferase (GAMT) Deficiency; GAMT DEFICIENCY. Identifiers: Orphanet 382, MedGen C0574080, MONDO:0012999, OMIM 612736.

Allele frequency attached by ClinVar (database versions not stated): ExAC 0.00001; gnomAD 0.00001; TOPMed 0.00001; ESP Exome Variant Server 0.00008.

Submissions (5):

ClinGen Cerebral Creatine Deficiency Syndromes Variant Curation Expert Panel, ClinGen
Classification: Likely pathogenic for Deficiency of guanidinoacetate methyltransferase. Last evaluated: 2025-12-10. Review status: reviewed by expert panel. Criteria: ClinGen CCDS ACMG Specifications GAMT V2.0.0. Collection method: curation. Allele origin: germline. Inheritance: Autosomal recessive inheritance.
Comment: The NM_000156.6:c.467C>A variant in GAMT is a missense variant that is predicted to cause the substitution of an alanine by an aspartic acid at amino acid position 156 (p.Ala156Asp). This variant has been detected in at least one individual with GAMT deficiency (Lei et al. Journal of Clinical Pediatrics, 2024, 42(12): 1039-1046), who was compound heterozygous for the variant and a pathogenic or likely pathogenic variant, c.194T>C (p.Leu65Pro), which was confirmed in trans by parental testing (PM3). The individual with this variant (Lei et al. Journal of Clinical Pediatrics, 2024, 42(12): 1039-1046) had elevated GAA and low or low normal creatine in urine and significantly decreased creatine peak (GAA not reported) on brain MRS (4 points; PP4_Strong). The highest population minor allele frequency in gnomAD v4.1.0. is 0.000015 (18/1180024 alleles) in the European non-Finnish population, which is lower than the ClinGen CCDS VCEP’s threshold for PM2_Supporting (<0.0004), meeting this criterion (PM2_Supporting). The computational predictor REVEL gives a score of 0.864 which is in the range of 0.773-0.932, evidence that correlates with impact to GAMT function at the moderate level (PP3_Moderate). Expression of the variant in HeLa cells resulted in <15% wild type GAMT activity indicating that this variant may impact protein function (PMID: 26003046); however, due to uncertainty regarding variant annotation in the publication, this was not used for PS3 evidence. There is a ClinVar entry for this variant (Variation ID: 801415). In summary, this variant meets the criteria to be classified as likely pathogenic for GAMT deficiency based on the GAMT-specific ACMG/AMP criteria applied, as specified by the ClinGen Cerebral Creatine Deficiency Syndromes Variant Curation Expert Panel (Specifications Version 2.0.0): PP4_Strong, PP3_Moderate, PM3, PM2_Supporting. (Classification approved by the ClinGen Cerebral Creatine Deficiency Syndromes Variant Curation Expert Panel on December 10, 2025)

Broad Center for Mendelian Genomics, Broad Institute of MIT and Harvard
Classification: Uncertain significance for Cerebral creatine deficiency syndrome. Last evaluated: 2025-04-23. Review status: criteria provided, single submitter. Criteria: ACMG Guidelines, 2015. Collection method: curation. Allele origin: germline. Inheritance: Autosomal recessive inheritance. Not counted in ClinVar's aggregate classification.
Comment: The p.Ala156Asp variant in GAMT has been reported in 1 individual with cerebral creatine deficiency syndrome (PMID: 35094435), and has been identified in 0.002% (18/1180024) of European (non-Finnish) chromosomes by the Genome Aggregation Database (gnomAD; dbSNP ID: rs368221789). Although this variant has been seen in the general population in a heterozygous state, its frequency is low enough to be consistent with a recessive carrier frequency. This variant has also been reported in ClinVar (VCV000801415.3), and has been interpreted as a variant of uncertain significance by Mendelics and Women's Health and Genetics/Laboratory Corporation of America (LabCorp). In vitro functional studies provide some evidence that the p.Ala156Asp variant may impact protein function (PMID: 26003046). However, these types of assays may not accurately represent biological function. Computational prediction tools and conservation analyses suggest that this variant may impact the protein, though this information is not predictive enough to determine pathogenicity. In summary, the clinical significance of the p.Ala156Asp variant is uncertain. ACMG/AMP Criteria applied: PP3_moderate, PM2_supporting, PS3_supporting (Richards 2015).

Ambry Genetics
Classification: Uncertain significance for Inborn genetic diseases. Last evaluated: 2024-06-28. Review status: criteria provided, single submitter. Criteria: Ambry Variant Classification Scheme 2023. Collection method: clinical testing. Allele origin: germline. Not counted in ClinVar's aggregate classification.
Comment: Based on insufficient or conflicting evidence, the clinical significance of this alteration remains unclear.

Women's Health and Genetics/Laboratory Corporation of America, LabCorp
Classification: Uncertain significance. Last evaluated: 2022-08-10. Review status: criteria provided, single submitter. Criteria: LabCorp Variant Classification Summary - May 2015. Collection method: clinical testing. Allele origin: germline. Not counted in ClinVar's aggregate classification.
Comment: Variant summary: GAMT c.467C>A (p.Ala156Asp) results in a non-conservative amino acid change in the encoded protein sequence. Five of five in-silico tools predict a damaging effect of the variant on protein function. The variant allele was found at a frequency of 6.6e-06 in 150994 control chromosomes (gnomAD v3.1, genomes dataset). The variant, c.467C>A, has been reported in the literature in an individual affected with a Leigh syndrome mimicking phenotype (i.e. neurodevelopmental delay) with symmetrical extrapyramidal lesions on MRI, in the absence of mitochondrial dysfunction (Stenton_2022), who also carried second GAMT missense variant (VUS). These data do not allow clear conclusions about variant significance. At least one publication reported experimental evidence evaluating an impact on protein function, and demonstrated significantly reduced enzyme activity for the variant protein, however, the variant annotation in the study was somewhat dubious (Desroches_2015). One clinical diagnostic laboratory has submitted clinical-significance assessments for this variant to ClinVar after 2014 without evidence for independent evaluation, and classified the variant as uncertain significance. Based on the evidence outlined above, the variant was classified as VUS-possibly pathogenic.

Mendelics
Classification: Uncertain significance. Last evaluated: 2019-05-28. Review status: criteria provided, single submitter. Criteria: Mendelics Assertion Criteria 2017. Collection method: clinical testing. Allele origin: unknown. Not counted in ClinVar's aggregate classification.

Literature cited by the submitters: PubMed 26003046 (cited by 3 submitters); PubMed 35094435 (cited by Broad Center for Mendelian Genomics, Broad Institute of MIT and Harvard and Women's Health and Genetics/Laboratory Corporation of America, LabCorp).